The following is an entry in ClinVar:

NM_001270.4(CHD1):c.238A>G (p.Lys80Glu)

Genes: CHD1 (chromodomain helicase DNA binding protein 1; minus strand), LOC126807465 (P300/CBP strongly-dependent group 1 enhancer GRCh37_chr5:98240158-98241357; plus strand). Cytogenetic location: 5q21.1.
Variant type: single nucleotide variant.
Coding change: c.238A>G on transcript NM_001270.4 (MANE Select); coding-DNA position 238, A replaced by G.
Protein change: p.Lys80Glu; replaces lysine 80 with glutamic acid.
Molecular consequence: missense variant. On other transcripts: non-coding transcript variant (2).
Genome position (GRCh38, 1-based): chr5:98,904,914, T>C on the plus strand (A>G on the coding strand, the complement: CHD1 is on the minus strand). VCF-style: chr5-98904914-T-C. GRCh37 (hg19) VCF-style: chr5-98240618-T-C.
Other names: c.238A>G, p.Lys80Glu (NM_001364113.3, NM_001376194.2); short protein forms K80E.
Identifiers: ClinVar variation 4685446 (VCV004685446.1).

ClinVar aggregate classification (germline): Uncertain significance (1 of 4 stars; one submission).

Submission:

GeneDx
Classification: Uncertain significance. Last evaluated: 2025-07-08. Review status: criteria provided, single submitter. Criteria: GeneDx Variant Classification Process June 2021. Collection method: clinical testing. Allele origin: germline. Affected: yes.
Comment: Not observed at significant frequency in large population cohorts (gnomAD); In silico analysis suggests that this missense variant does not alter protein structure/function; Has not been previously published as pathogenic or benign to our knowledge